The following is an entry in ClinVar:

ClinVar aggregate classification (germline): Pathogenic/Likely pathogenic. Review status: criteria provided, multiple submitters, no conflicts (2 of 4 stars). 2 submissions from 2 submitters: Pathogenic (1); Likely pathogenic (1). Last evaluated 2026-06-01.

Conditions:
Benign familial hematuria. Also called: thin basement membrane disease. Identifiers: MedGen C0241908, MONDO:0957317.
Autosomal dominant Alport syndrome (ATS3A). Also called: Alport syndrome dominant type; Renal failure and sensorineural hearing loss; ALPORT SYNDROME 3A, AUTOSOMAL DOMINANT. Identifiers: Orphanet 63, Orphanet 88918, MedGen C5882663, MONDO:0007086, OMIM 104200.

Allele frequency attached by ClinVar (database versions not stated): gnomAD exomes below 0.00001.
gnomAD v4.1: 1 of 1,613,934 alleles (0.000062%); highest among the groups gnomAD compares: Non-Finnish European, 0.000085%; no homozygotes.

Submissions (2):

Centre de Génétique Humaine, Institut de Pathologie Et de Génétique
Classification: Pathogenic for Autosomal dominant Alport syndrome. Last evaluated: 2026-06-01. Review status: criteria provided, single submitter. Criteria: ACMG Guidelines, 2015. Collection method: clinical testing. Allele origin: maternal, germline. Inheritance: Autosomal dominant inheritance. Affected: yes. Observed: 11 variant alleles, 11 heterozygotes. Clinical features observed: Microscopic hematuria (HP:0002907), Stage 2 chronic kidney disease (HP:0012624), Severe albuminuria (HP:0033066), Stage 4 chronic kidney disease (HP:0012626), Multiple renal cysts (HP:0005562), Hypertensive disorder (HP:0000822), Stage 3 chronic kidney disease (HP:0012625), Moderate albuminuria (HP:0012594), Sensorineural hearing loss disorder (HP:0000407), Thin glomerular basement membrane (HP:0012577). Segregation with disease observed.
Comment: Variant located in the canonical acceptor splice site of intron 11 (PVS1). Analysis of the transcript performed in our laboratory confirmed the skipping of exon 12, resulting in a inframe deletion of 14 residues in collagenous region (PS3). This variant is rare: allelic frequency of 0.000062% in gnomAD v4.1.0 database (PM2). Described as pathogenic in family with FBH in ClinVar (PP5)

Eurofins-Biomnis
Classification: Likely pathogenic for Hematuria, benign familial, 1. Last evaluated: 2022-11-18. Review status: criteria provided, single submitter. Criteria: Accession Criteria ClinVar Biomnis. Collection method: clinical testing. Allele origin: germline. Affected: yes. Observed: 1 heterozygote.

NM_000092.5(COL4A4):c.694-1G>C

Gene: COL4A4 (collagen type IV alpha 4 chain; minus strand). Cytogenetic location: 2q36.3.
Variant type: single nucleotide variant.
Coding change: c.694-1G>C on transcript NM_000092.5 (MANE Select); the canonical splice acceptor site of the intron before coding-DNA position 694, G replaced by C.
Molecular consequence: splice acceptor variant.
Genome position (GRCh38, 1-based): chr2:227,108,623, C>G on the plus strand (G>C on the coding strand, the complement: COL4A4 is on the minus strand). VCF-style: chr2-227108623-C-G. GRCh37 (hg19) VCF-style: chr2-227973339-C-G.
Identifiers: ClinVar variation 2506481 (VCV002506481.2), dbSNP rs2475774780, ClinGen allele CA350859381.
Genomic context (GRCh38, chr2:227,108,623, plus strand): 5'-GCAAGAGGGAATTCTTACCGGGTCTCCCATTTGCCCCTTTACTCCCACACCGGGATTTCC[C>G]TGAGAAAGAAATGAAAAAGAATCTAATTGCTTTTGAATTTTAAAAAAGTAATTAAAAGCA-3'